The following is an entry in ClinVar:

NC_000005.9:g.(?_1282524)_(1297488_?)del

Gene: TERT (telomerase reverse transcriptase; minus strand). Cytogenetic location: 5p15.33.
Variant type: Deletion.
Identifiers: ClinVar variation 2427641 (VCV002427641.5).

ClinVar aggregate classification (germline): Pathogenic (1 of 4 stars; one submission).

Conditions:
Idiopathic Pulmonary Fibrosis. Also called: Idiopathic fibrosing alveolitis, chronic form; idiopathic fibrosing alveolitis. Identifiers: Orphanet 2032, MedGen C1800706, MeSH D054990, MONDO:0800504.
Dyskeratosis congenita, autosomal dominant 2. Identifiers: MedGen C3151443, MONDO:0013521, OMIM 613989.

Submission:

Labcorp Genetics (formerly Invitae), Labcorp
Classification: Pathogenic for Dyskeratosis congenita, autosomal dominant 2; Idiopathic Pulmonary Fibrosis. Last evaluated: 2023-07-07. Review status: criteria provided, single submitter. Criteria: Invitae Variant Classification Sherloc (09022015). Collection method: clinical testing. Allele origin: germline.
Comment: This variant is a gross deletion of the genomic region encompassing exon(s) 1-3 of the TERT gene, which includes the initiator codon. This deletion extends beyond the assayed region for this gene and therefore may encompass additional genes. It is expected to result in an absent or disrupted protein product. Loss-of-function variants in TERT are known to be pathogenic (PMID: 16247010, 17460043). This variant has not been reported in the literature in individuals affected with TERT-related conditions. For these reasons, this variant has been classified as Pathogenic.

Literature cited by the submitters: PubMed 16247010; PubMed 17460043.